The following is an entry in ClinVar:

ClinVar aggregate classification (germline): Conflicting classifications of pathogenicity. Review status: criteria provided, conflicting classifications (1 of 4 stars). 6 submissions from 6 submitters: Uncertain significance (2); Likely benign (3). 1 of the submissions does not count toward it. Last evaluated 2025-12-11.

Conditions:
Glycogen storage disease type III (GSD3). Also called: FORBES DISEASE; Cori disease. Identifiers: Orphanet 366, MedGen C0017922, MONDO:0009291, OMIM 232400.

Allele frequency attached by ClinVar (database versions not stated): ExAC 0.00002; gnomAD exomes 0.00002 and 0.00004; gnomAD 0.00003; TOPMed 0.00003.

Submissions (6):

Labcorp Genetics (formerly Invitae), Labcorp
Classification: Likely benign for Glycogen storage disease type III. Last evaluated: 2025-12-11. Review status: criteria provided, single submitter. Criteria: Invitae Variant Classification Sherloc (09022015). Collection method: clinical testing. Allele origin: germline.

Clinical Genomics Laboratory, Washington University in St. Louis
Classification: Uncertain significance for Glycogen storage disease type III. Last evaluated: 2025-01-21. Review status: criteria provided, single submitter. Criteria: ACMG Guidelines, 2015. Collection method: clinical testing. Allele origin: germline.
Comment: The AGL c.3345A>T (p.Gly1115=) variant, to our knowledge, has not been reported in the medical literature. This variant has been reported in the ClinVar database as a germline likely benign variant by four submitters and as a variant of uncertain significance by one submitter (Variation ID: 291341). This variant is observed on 10/282,814 alleles in the general population (gnomAD v.2.1.1). Computational predictors suggest that this variant may affect RNA splicing. Due to limited information, and based on ACMG/AMP guidelines for variant interpretation (Richards S et al., PMID: 25741868), the clinical significance of the AGL c.3345A>T (p.Gly1115=) variant is uncertain at this time.

Genome-Nilou Lab
Classification: Likely benign for Glycogen storage disease type III. Last evaluated: 2021-07-15. Review status: criteria provided, single submitter. Criteria: ACMG Guidelines, 2015. Collection method: clinical testing. Allele origin: germline. Affected: no.

Illumina Laboratory Services, Illumina
Classification: Uncertain significance for Glycogen storage disease type III. Last evaluated: 2018-01-13. Review status: criteria provided, single submitter. Criteria: ICSL Variant Classification Criteria 13 December 2019. Collection method: clinical testing. Allele origin: germline.

GeneDx
Classification: Likely benign. Last evaluated: 2017-03-23. Review status: criteria provided, single submitter. Criteria: GeneDx Variant Classification (06012015). Collection method: clinical testing. Allele origin: germline. Affected: yes.
Comment: This variant is considered likely benign or benign based on one or more of the following criteria: it is a conservative change, it occurs at a poorly conserved position in the protein, it is predicted to be benign by multiple in silico algorithms, and/or has population frequency not consistent with disease.

Natera, Inc.
Classification: Likely benign for Glycogen storage disease type III. Last evaluated: 2020-09-16. Review status: no assertion criteria provided. Collection method: clinical testing. Allele origin: germline. Not counted in ClinVar's aggregate classification.

NM_000642.3(AGL):c.3345A>T (p.Gly1115=)

Gene: AGL (amylo-alpha-1,6-glucosidase and 4-alpha-glucanotransferase; plus strand). Cytogenetic location: 1p21.2.
Variant type: single nucleotide variant.
Coding change: c.3345A>T on transcript NM_000642.3 (MANE Select); coding-DNA position 3345, A replaced by T.
Protein change: p.Gly1115=; no amino-acid change (glycine 1115 retained).
Molecular consequence: synonymous variant.
Genome position (GRCh38, 1-based): chr1:99,896,371, A>T. VCF-style: chr1-99896371-A-T. GRCh37 (hg19) VCF-style: chr1-100361927-A-T.
Other names: c.3345A>T, p.Gly1115= (NM_000028.3, NM_000643.3, NM_000644.3 and 1 more transcripts); c.3297A>T, p.Gly1099= (NM_000646.3); c.3324A>T, p.Gly1108= (NM_001425326.1); c.3144A>T, p.Gly1048= (NM_001425327.1); c.3141A>T, p.Gly1047= (NM_001425328.1); c.3006A>T, p.Gly1002= (NM_001425329.1); c.2967A>T, p.Gly989= (NM_001425332.1).
Identifiers: ClinVar variation 291341 (VCV000291341.19), dbSNP rs758265909, ClinGen allele CA967050.